The following is an entry in ClinVar:

NM_145292.4(GALNTL5):c.153dup (p.Val52fs)

Gene: GALNTL5 (polypeptide N-acetylgalactosaminyltransferase like 5; plus strand). Cytogenetic location: 7q36.1.
Variant type: Duplication.
Coding change: c.153dup on transcript NM_145292.4 (MANE Select); coding-DNA position 153, one base duplicated (A; older notation c.153dupA).
Protein change: p.Val52fs; shifts the reading frame from valine 52.
Molecular consequence: frameshift variant. On other transcripts: non-coding transcript variant (1).
Genome position (GRCh38, 1-based): chr7:151,967,399, A duplicated; the last of 7 consecutive A bases (chr7:151,967,393-151,967,399); duplicating any one gives the same sequence. VCF-style (leftmost placement, unchanged base first): chr7-151967392-G-GA. GRCh37 (hg19) VCF-style: chr7-151664477-G-GA.
Other names: short protein forms V52fs.
Identifiers: ClinVar variation 996331 (VCV000996331.2), dbSNP rs746301883, ClinGen allele CA4577268.

ClinVar aggregate classification (germline): Likely pathogenic (0 of 4 stars; one submission).

Conditions:
Male infertility. Identifiers: MedGen C0021364, MeSH D007248, MONDO:0005372, HP:0003251.

Submission:

Diagnostic Laboratory, Strasbourg University Hospital
Classification: Likely pathogenic for Male infertility. Last evaluated: 2021-02-09. Review status: no assertion criteria provided. Collection method: clinical testing. Allele origin: unknown. Inheritance: Autosomal dominant inheritance. Affected: yes. Observed: 1 variant allele, 1 heterozygote.
Comment: Our analysis revealed a heterozygous frameshift mutation (c.153dup, p.Val52Serfs*23) in GALNTL5 which theoretically leads to an early translational termination at the very beginning part of the protein. A different heterozygous one nucleotide deletion have been identified before in GALNTL5 as causative for male fertility due to immotile sperm. Heterozygous mutations in Galntl5 affected male mice fertility due to immotile sperm (Takasaki et al 2014, doi:10.1073/pnas.1310777111 ).